The following is an entry in ClinVar:

NM_032383.5(HPS3):c.2106+1G>T

Gene: HPS3 (HPS3 biogenesis of lysosomal organelles complex 2 subunit 1; plus strand). Cytogenetic location: 3q24.
Variant type: single nucleotide variant.
Coding change: c.2106+1G>T on transcript NM_032383.5 (MANE Select); the canonical splice donor site of the intron after coding-DNA position 2106, G replaced by T.
Molecular consequence: splice donor variant.
Genome position (GRCh38, 1-based): chr3:149,160,280, G>T. VCF-style: chr3-149160280-G-T. GRCh37 (hg19) VCF-style: chr3-148878067-G-T.
Other names: c.1611+1G>T (NM_001308258.2).
Identifiers: ClinVar variation 2016701 (VCV002016701.5), dbSNP rs760787980, ClinGen allele CA2660231.

ClinVar aggregate classification (germline): Likely pathogenic. Review status: criteria provided, multiple submitters, no conflicts (2 of 4 stars). 2 submissions from 2 submitters: Likely pathogenic (2). Last evaluated 2023-07-24.

Conditions:
Hermansky-Pudlak syndrome 3 (HPS3). Identifiers: Orphanet 231512, Orphanet 79430, MedGen C3888001, MONDO:0013555, OMIM 614072.

Allele frequency attached by ClinVar (database versions not stated): ExAC 0.00001; TOPMed 0.00001.
gnomAD v4.1: 1 of 1,594,554 alleles (0.000063%); highest among the groups gnomAD compares: Non-Finnish European, 0.000086%; no homozygotes.

Submissions (2):

Labcorp Genetics (formerly Invitae), Labcorp
Classification: Likely pathogenic. Last evaluated: 2023-07-24. Review status: criteria provided, single submitter. Criteria: Invitae Variant Classification Sherloc (09022015). Collection method: clinical testing. Allele origin: germline.
Comment: This sequence change affects a donor splice site in intron 11 of the HPS3 gene. It is expected to disrupt RNA splicing. Variants that disrupt the donor or acceptor splice site typically lead to a loss of protein function (PMID: 16199547), and loss-of-function variants in HPS3 are known to be pathogenic (PMID: 11590544). This variant is present in population databases (rs760787980, gnomAD 0.0009%). This variant has not been reported in the literature in individuals affected with HPS3-related conditions. ClinVar contains an entry for this variant (Variation ID: 2016701). Algorithms developed to predict the effect of sequence changes on RNA splicing suggest that this variant may disrupt the consensus splice site. In summary, the currently available evidence indicates that the variant is pathogenic, but additional data are needed to prove that conclusively. Therefore, this variant has been classified as Likely Pathogenic.

Baylor Genetics
Classification: Likely pathogenic for Hermansky-Pudlak syndrome 3. Last evaluated: 2023-01-10. Review status: criteria provided, single submitter. Criteria: ACMG Guidelines, 2015. Collection method: clinical testing. Allele origin: unknown.

Literature cited by the submitters: PubMed 16199547 (cited by Labcorp Genetics (formerly Invitae), Labcorp); PubMed 11590544 (cited by Labcorp Genetics (formerly Invitae), Labcorp).